The following is an entry in ClinVar:

ClinVar aggregate classification (germline): Pathogenic (1 of 4 stars; one submission).

Submission:

CeGaT Center for Human Genetics Tuebingen
Classification: Pathogenic. Last evaluated: 2023-06-01. Review status: criteria provided, single submitter. Criteria: CeGaT Center For Human Genetics Tuebingen Variant Classification Criteria Version 2. Collection method: clinical testing. Allele origin: germline. Affected: yes. Observed: 1 variant allele.
Comment: CAPN1: PVS1, PM2, PM3:Supporting

NM_005186.4(CAPN1):c.894G>A (p.Trp298Ter)

Gene: CAPN1 (calpain 1; plus strand). Cytogenetic location: 11q13.1.
Variant type: single nucleotide variant.
Coding change: c.894G>A on transcript NM_005186.4 (MANE Select); coding-DNA position 894, G replaced by A.
Protein change: p.Trp298Ter; replaces tryptophan 298 with a stop codon.
Molecular consequence: nonsense. On other transcripts: non-coding transcript variant (1).
Genome position (GRCh38, 1-based): chr11:65,188,005, G>A. VCF-style: chr11-65188005-G-A. GRCh37 (hg19) VCF-style: chr11-64955476-G-A.
Other names: c.894G>A, p.Trp298Ter (NM_001198868.2, NM_001198869.2); c.732G>A, p.Trp244Ter (NM_001198870.1); short protein forms W244*, W298*.
Identifiers: ClinVar variation 2570800 (VCV002570800.27), dbSNP rs1404239957, ClinGen allele CA381247132.